The following is an entry in ClinVar:

ClinVar aggregate classification (germline): Likely benign (1 of 4 stars; one submission).

Conditions:
Spinocerebellar ataxia type 11 (SCA11). Identifiers: Orphanet 98767, MedGen C1858351, MONDO:0011464, OMIM 604432.

Allele frequency attached by ClinVar (database versions not stated): gnomAD exomes 0.00002 and 0.00020; ExAC 0.00005; TOPMed 0.00005; gnomAD 0.00006 and 0.00017; 1000 Genomes Project 30x 0.00062; 1000 Genomes Project 0.00080.
gnomAD v4.1: 312 of 1,612,026 alleles (0.019%); highest among the groups gnomAD compares: East Asian, 0.69%; 1 homozygote.

Submission:

Illumina Laboratory Services, Illumina
Classification: Likely benign for Spinocerebellar ataxia type 11. Last evaluated: 2018-01-13. Review status: criteria provided, single submitter. Criteria: ICSL Variant Classification Criteria 13 December 2019. Collection method: clinical testing. Allele origin: germline.
Comment: This variant was observed in the ICSL laboratory as part of a predisposition screen in an ostensibly healthy population. It had not been previously curated by ICSL or reported in the Human Gene Mutation Database (HGMD: prior to June 1st, 2018), and was therefore a candidate for classification through an automated scoring system. Utilizing variant allele frequency, disease prevalence and penetrance estimates, and inheritance mode, an automated score was calculated to assess if this variant is too frequent to cause the disease. Based on the score and internal cut-off values, a variant classified as likely benign is not then subjected to further curation. The score for this variant resulted in a classification of likely benign for this disease.

NM_173500.4(TTBK2):c.*33A>C

Gene: TTBK2 (tau tubulin kinase 2; minus strand). Cytogenetic location: 15q15.2.
Variant type: single nucleotide variant.
Coding change: c.*33A>C on transcript NM_173500.4 (MANE Select); 33 bases downstream of the stop codon, A replaced by C.
Molecular consequence: 3 prime UTR variant.
Genome position (GRCh38, 1-based): chr15:42,745,762, T>G on the plus strand (A>C on the coding strand, the complement: TTBK2 is on the minus strand). VCF-style: chr15-42745762-T-G. GRCh37 (hg19) VCF-style: chr15-43037960-T-G.
Identifiers: ClinVar variation 884243 (VCV000884243.4), dbSNP rs149561490, ClinGen allele CA7516499.